The following is an entry in ClinVar:

NM_003672.4(CDC14A):c.12G>T (p.Glu4Asp)

Gene: CDC14A (cell division cycle 14A; plus strand). Cytogenetic location: 1p21.2.
Variant type: single nucleotide variant.
Coding change: c.12G>T on transcript NM_003672.4 (MANE Select); coding-DNA position 12, G replaced by T.
Protein change: p.Glu4Asp; replaces glutamic acid 4 with aspartic acid.
Molecular consequence: missense variant. On other transcripts: 5 prime UTR variant (1), intron variant (1).
Genome position (GRCh38, 1-based): chr1:100,352,966, G>T. VCF-style: chr1-100352966-G-T. GRCh37 (hg19) VCF-style: chr1-100818522-G-T.
Other names: c.12G>T, p.Glu4Asp (NM_001319210.2, NM_033312.3, NM_033313.3); c.-780G>T (NM_001319212.2); c.-125-796G>T (NM_001319211.2); short protein forms E4D.
Identifiers: ClinVar variation 3774641 (VCV003774641.2).

ClinVar aggregate classification (germline): Uncertain significance. Review status: criteria provided, multiple submitters, no conflicts (2 of 4 stars). 2 submissions from 2 submitters: Uncertain significance (2). Last evaluated 2026-07-01.

Submissions (2):

CeGaT Center for Human Genetics Tuebingen
Classification: Uncertain significance. Last evaluated: 2026-07-01. Review status: criteria provided, single submitter. Criteria: CeGaT Center For Human Genetics Tuebingen Variant Classification Criteria Version 2. Collection method: clinical testing. Allele origin: germline. Affected: yes. Observed: 1 variant allele.
Comment: CDC14A: PM2

GeneDx
Classification: Uncertain significance. Last evaluated: 2024-09-26. Review status: criteria provided, single submitter. Criteria: GeneDx Variant Classification Process June 2021. Collection method: clinical testing. Allele origin: germline. Affected: yes.
Comment: Not observed at significant frequency in large population cohorts (gnomAD); In silico analysis indicates that this missense variant does not alter protein structure/function; Has not been previously published as pathogenic or benign to our knowledge